The following is an entry in ClinVar:

ClinVar aggregate classification (germline): Uncertain significance (1 of 4 stars; one submission).

Conditions:
DOCK2 deficiency. Also called: Immunodeficiency 40. Identifiers: Orphanet 447737, MedGen C4225328, MONDO:0014637, OMIM 616433.

Allele frequency attached by ClinVar (database versions not stated): gnomAD exomes below 0.00001.
gnomAD v4.1: 1 of 1,614,160 alleles (0.000062%); highest among the groups gnomAD compares: Non-Finnish European, 0.000085%; no homozygotes.

Submission:

Labcorp Genetics (formerly Invitae), Labcorp
Classification: Uncertain significance for DOCK2 deficiency. Last evaluated: 2022-09-19. Review status: criteria provided, single submitter. Criteria: Invitae Variant Classification Sherloc (09022015). Collection method: clinical testing. Allele origin: germline.
Comment: This variant has not been reported in the literature in individuals affected with DOCK2-related conditions. ClinVar contains an entry for this variant (Variation ID: 1523383). Algorithms developed to predict the effect of missense changes on protein structure and function (SIFT, PolyPhen-2, Align-GVGD) all suggest that this variant is likely to be tolerated. In summary, the available evidence is currently insufficient to determine the role of this variant in disease. Therefore, it has been classified as a Variant of Uncertain Significance. This variant is not present in population databases (gnomAD no frequency). This sequence change replaces proline, which is neutral and non-polar, with alanine, which is neutral and non-polar, at codon 25 of the DOCK2 protein (p.Pro25Ala).

NM_004946.3(DOCK2):c.73C>G (p.Pro25Ala)

Gene: DOCK2 (dedicator of cytokinesis 2; plus strand). Cytogenetic location: 5q35.1.
Variant type: single nucleotide variant.
Coding change: c.73C>G on transcript NM_004946.3 (MANE Select); coding-DNA position 73, C replaced by G.
Protein change: p.Pro25Ala; replaces proline 25 with alanine.
Molecular consequence: missense variant. On other transcripts: non-coding transcript variant (1).
Genome position (GRCh38, 1-based): chr5:169,654,432, C>G. VCF-style: chr5-169654432-C-G. GRCh37 (hg19) VCF-style: chr5-169081436-C-G.
Other names: short protein forms P25A.
Identifiers: ClinVar variation 1523383 (VCV001523383.6), dbSNP rs2113179069, ClinGen allele CA362104469.